The following is an entry in ClinVar:

ClinVar aggregate classification (germline): Uncertain significance (1 of 4 stars; one submission).

Conditions:
Spastic paraplegia. Identifiers: MedGen C0037772, HP:0001258.

Submission:

Labcorp Genetics (formerly Invitae), Labcorp
Classification: Uncertain significance for Spastic paraplegia. Last evaluated: 2021-09-01. Review status: criteria provided, single submitter. Criteria: Invitae Variant Classification Sherloc (09022015). Collection method: clinical testing. Allele origin: germline.
Comment: This sequence change replaces proline with arginine at codon 65 of the SLC33A1 protein (p.Pro65Arg). The proline residue is weakly conserved and there is a moderate physicochemical difference between proline and arginine. This variant is not present in population databases (ExAC no frequency). This variant has not been reported in the literature in individuals affected with SLC33A1-related conditions. Algorithms developed to predict the effect of missense changes on protein structure and function (SIFT, PolyPhen-2, Align-GVGD) all suggest that this variant is likely to be tolerated. In summary, the available evidence is currently insufficient to determine the role of this variant in disease. Therefore, it has been classified as a Variant of Uncertain Significance.

NM_004733.4(SLC33A1):c.194C>G (p.Pro65Arg)

Gene: SLC33A1 (solute carrier family 33 member 1; minus strand). Cytogenetic location: 3q25.31.
Variant type: single nucleotide variant.
Coding change: c.194C>G on transcript NM_004733.4 (MANE Select); coding-DNA position 194, C replaced by G.
Protein change: p.Pro65Arg; replaces proline 65 with arginine.
Molecular consequence: missense variant.
Genome position (GRCh38, 1-based): chr3:155,853,804, G>C on the plus strand (C>G on the coding strand, the complement: SLC33A1 is on the minus strand). VCF-style: chr3-155853804-G-C. GRCh37 (hg19) VCF-style: chr3-155571593-G-C.
Other names: c.194C>G, p.Pro65Arg (NM_001190992.2, NM_001363883.1); short protein forms P65R.
Identifiers: ClinVar variation 844025 (VCV000844025.7), dbSNP rs1753513411, ClinGen allele CA355144194.
Genomic context (GRCh38, chr3:155,853,804, plus strand): 5'-TGAAGCACGTAAAGAAAGAGTAGTAGCAAAATGCTGCTTAGTTCGGCCCGGAAGCTCTGT[G>C]GGGCTTTTAAGAAGTCGCCAGTGCCGGTATCCCCCAGAAGAGCTTCTCTGTCCCCTTCCC-3'
Protein context (NP_004724.1, residues 55-75): DTGTGDFLKA[Pro65Arg]QSFRAELSSI